The following is an entry in ClinVar:

ClinVar aggregate classification (germline): Uncertain significance (1 of 4 stars; one submission).

Conditions:
Bernard-Soulier syndrome, type A2, autosomal dominant (BSSA2). Also called: Bernard-Soulier syndrome, type A2 (dominant). Identifiers: Orphanet 274, MedGen C3277076, MONDO:0007930, OMIM 153670.

Submission:

ISTH-SSC Genomics in Thrombosis and Hemostasis, KU Leuven, Center for Molecular and Vascular Biology
Classification: Uncertain significance for Bernard-Soulier syndrome, type A2, autosomal dominant. Review status: criteria provided, single submitter. Criteria: ACMG Guidelines, 2015. Collection method: clinical testing. Allele origin: germline. Affected: yes. Observed: 1 heterozygote.
Comment: Submitted to the GoldVariant database by Kathleen Freson, Center for Molecular and Vascular Biology

NM_000173.7(GP1BA):c.1233_1349del (p.Ser415_Thr453del)

Gene: GP1BA (glycoprotein Ib platelet subunit alpha; plus strand). Cytogenetic location: 17p13.2.
Variant type: Deletion.
Coding change: c.1233_1349del on transcript NM_000173.7 (MANE Select); coding-DNA positions 1233 to 1349, 117 bases deleted.
Protein change: p.Ser415_Thr453del.
Molecular consequence: inframe deletion.
Genome position (GRCh38, 1-based): chr17:4,933,837-4,933,953, 117 bases deleted. GRCh37 (hg19): chr17:4,837,132-4,837,248.
Identifiers: ClinVar variation 2572124 (VCV002572124.1), dbSNP rs1567648321, ClinGen allele CA8314925.